The following is an entry in ClinVar:

NM_001009944.3(PKD1):c.12085G>A (p.Val4029Ile)

Gene: PKD1 (polycystin 1, transient receptor potential channel interacting; minus strand). Cytogenetic location: 16p13.3.
Variant type: single nucleotide variant.
Coding change: c.12085G>A on transcript NM_001009944.3 (MANE Select); coding-DNA position 12085, G replaced by A.
Protein change: p.Val4029Ile; replaces valine 4029 with isoleucine.
Molecular consequence: missense variant.
Genome position (GRCh38, 1-based): chr16:2,090,727, C>T on the plus strand (G>A on the coding strand, the complement: PKD1 is on the minus strand). VCF-style: chr16-2090727-C-T. GRCh37 (hg19) VCF-style: chr16-2140728-C-T.
Other names: c.12082G>A, p.Val4028Ile (NM_000296.4); short protein forms V4028I, V4029I.
Identifiers: ClinVar variation 3347944 (VCV003347944.1).

ClinVar aggregate classification (germline): Uncertain significance (0 of 4 stars; one submission).

Conditions:
PKD1-related disorder. Also called: PKD1-related condition.

gnomAD v4.1: 1 of 1,612,588 alleles (0.000062%); highest among the groups gnomAD compares: Non-Finnish European, 0.000085%; no homozygotes.

Submission:

PreventionGenetics, part of Exact Sciences
Classification: Uncertain significance for PKD1-related condition. Last evaluated: 2024-07-20. Review status: no assertion criteria provided. Collection method: clinical testing. Allele origin: germline.
Comment: The PKD1 c.12085G>A variant is predicted to result in the amino acid substitution p.Val4029Ile. In the literature, this variant is reported via g.2140728. This variant has been reported in cohort studies of individuals with developmental disorders (Supplementary Table 1, McRae et al. 2017. PubMed ID: 28135719; Table S1, Kaplanis et al. 2020. PubMed ID: 33057194; Supplementary Data 3, Zhou et al. 2022. PubMed ID: 35982159). This variant is reported in 0.00091% of alleles in individuals of European (Non-Finnish) descent in gnomAD. At this time, the clinical significance of this variant is uncertain due to the absence of conclusive functional and genetic evidence.